The following is an entry in ClinVar:

NM_000400.4(ERCC2):c.1480-2A>C

Gene: ERCC2 (ERCC excision repair 2, TFIIH core complex helicase subunit; minus strand). Cytogenetic location: 19q13.32.
Variant type: single nucleotide variant.
Coding change: c.1480-2A>C on transcript NM_000400.4 (MANE Select); the canonical splice acceptor site of the intron before coding-DNA position 1480, A replaced by C.
Molecular consequence: splice acceptor variant.
Genome position (GRCh38, 1-based): chr19:45,355,730, T>G on the plus strand (A>C on the coding strand, the complement: ERCC2 is on the minus strand). VCF-style: chr19-45355730-T-G. GRCh37 (hg19) VCF-style: chr19-45858988-T-G.
Identifiers: ClinVar variation 1346864 (VCV001346864.9), dbSNP rs1971989621, ClinGen allele CA406366011.

ClinVar aggregate classification (germline): Pathogenic/Likely pathogenic. Review status: criteria provided, multiple submitters, no conflicts (2 of 4 stars). 2 submissions from 2 submitters: Pathogenic (1); Likely pathogenic (1). Last evaluated 2025-11-18.

Conditions:
Xeroderma pigmentosum, group D (XPD). Also called: XERODERMA PIGMENTOSUM, COMPLEMENTATION GROUP D; XERODERMA PIGMENTOSUM IV; XP, GROUP D; XP, GROUP H; ERCC2-Related Xeroderma Pigmentosum. Identifiers: MedGen C0268138, MONDO:0010212, OMIM 278730.
Trichothiodystrophy 1, photosensitive (TTD1). Also called: TAY SYNDROME; TRICHOTHIODYSTROPHY WITH CONGENITAL ICHTHYOSIS; PIBIDS SYNDROME. Identifiers: Orphanet 33364, MedGen C1866504, MONDO:0011125, OMIM 601675.
Cerebrooculofacioskeletal syndrome 2 (COFS2). Identifiers: MedGen C1853102, MONDO:0012553, OMIM 610756.

Submissions (2):

Labcorp Genetics (formerly Invitae), Labcorp
Classification: Pathogenic. Last evaluated: 2025-11-18. Review status: criteria provided, single submitter. Criteria: Invitae Variant Classification Sherloc (09022015). Collection method: clinical testing. Allele origin: germline.
Comment: This sequence change affects an acceptor splice site in intron 15 of the ERCC2 gene. It is expected to disrupt RNA splicing. Variants that disrupt the donor or acceptor splice site typically lead to a loss of protein function (PMID: 16199547), and loss-of-function variants in ERCC2 are known to be pathogenic (PMID: 9238033, 11335038, 19085937, 19934020). This variant is not present in population databases (gnomAD no frequency). Disruption of this splice site has been observed in individual(s) with trichothiodystrophy (PMID: 31282071). In at least one individual the data is consistent with being in trans (on the opposite chromosome) from a pathogenic variant. It has also been observed to segregate with disease in related individuals. ClinVar contains an entry for this variant (Variation ID: 1346864). Algorithms developed to predict the effect of sequence changes on RNA splicing suggest that this variant may disrupt the consensus splice site. For these reasons, this variant has been classified as Pathogenic.

Fulgent Genetics
Classification: Likely pathogenic for Xeroderma pigmentosum, group D; Trichothiodystrophy 1, photosensitive; Cerebrooculofacioskeletal syndrome 2. Last evaluated: 2024-03-13. Review status: criteria provided, single submitter. Criteria: ACMG Guidelines, 2015. Collection method: clinical testing. Allele origin: germline.

Literature cited by the submitters: PubMed 16199547 (cited by Labcorp Genetics (formerly Invitae), Labcorp); PubMed 9238033 (cited by Labcorp Genetics (formerly Invitae), Labcorp); PubMed 11335038 (cited by Labcorp Genetics (formerly Invitae), Labcorp); PubMed 19085937 (cited by Labcorp Genetics (formerly Invitae), Labcorp); PubMed 19934020 (cited by Labcorp Genetics (formerly Invitae), Labcorp); PubMed 31282071 (cited by Labcorp Genetics (formerly Invitae), Labcorp).